The following is an entry in ClinVar:

ClinVar aggregate classification (germline): Uncertain significance (1 of 4 stars; one submission).

Submission:

GeneDx
Classification: Uncertain significance. Last evaluated: 2022-03-11. Review status: criteria provided, single submitter. Criteria: GeneDx Variant Classification Process June 2021. Collection method: clinical testing. Allele origin: germline. Affected: yes.
Comment: Not observed at significant frequency in large population cohorts (gnomAD); In silico analysis supports that this missense variant has a deleterious effect on protein structure/function; Has not been previously published as pathogenic or benign to our knowledge

NM_012398.3(PIP5K1C):c.1265C>G (p.Thr422Arg)

Gene: PIP5K1C (phosphatidylinositol-4-phosphate 5-kinase type 1 gamma; minus strand). Cytogenetic location: 19p13.3.
Variant type: single nucleotide variant.
Coding change: c.1265C>G on transcript NM_012398.3 (MANE Select); coding-DNA position 1265, C replaced by G.
Protein change: p.Thr422Arg; replaces threonine 422 with arginine.
Molecular consequence: missense variant.
Genome position (GRCh38, 1-based): chr19:3,646,054, G>C on the plus strand (C>G on the coding strand, the complement: PIP5K1C is on the minus strand). VCF-style: chr19-3646054-G-C. GRCh37 (hg19) VCF-style: chr19-3646052-G-C.
Other names: c.1265C>G, p.Thr422Arg (NM_001195733.2, NM_001300849.2); short protein forms T422R.
Identifiers: ClinVar variation 1704688 (VCV001704688.2), dbSNP rs1352036851, ClinGen allele CA403381862.